The following is an entry in ClinVar:

ClinVar aggregate classification (germline): Pathogenic/Likely pathogenic. Review status: criteria provided, multiple submitters, no conflicts (2 of 4 stars). 2 submissions from 2 submitters: Pathogenic (1); Likely pathogenic (1). Last evaluated 2025-10-18.

Conditions:
CHM-related disorders.

Submissions (2):

Labcorp Genetics (formerly Invitae), Labcorp
Classification: Pathogenic. Last evaluated: 2025-10-18. Review status: criteria provided, single submitter. Criteria: Invitae Variant Classification Sherloc (09022015). Collection method: clinical testing. Allele origin: germline.
Comment: This sequence change affects a donor splice site in intron 10 of the CHM gene. It is expected to disrupt RNA splicing. Variants that disrupt the donor or acceptor splice site typically lead to a loss of protein function (PMID: 16199547), and loss-of-function variants in CHM are known to be pathogenic (PMID: 9067750, 23811034). This variant is not present in population databases (gnomAD no frequency). Disruption of this splice site has been observed in individuals with choroidermia (PMID: 35886051; internal data). It has also been observed to segregate with disease in related individuals. ClinVar contains an entry for this variant (Variation ID: 2003250). Algorithms developed to predict the effect of sequence changes on RNA splicing suggest that this variant may disrupt the consensus splice site. For these reasons, this variant has been classified as Pathogenic.

Blueprint Genetics
Classification: Likely pathogenic for CHM-related disorders. Last evaluated: 2019-08-28. Review status: criteria provided, single submitter. Criteria: ACMG Guidelines, 2015. Collection method: clinical testing. Allele origin: germline. Affected: yes. Observed: 1 variant allele.

Literature cited by the submitters: PubMed 16199547 (cited by Labcorp Genetics (formerly Invitae), Labcorp); PubMed 9067750 (cited by Labcorp Genetics (formerly Invitae), Labcorp); PubMed 23811034 (cited by Labcorp Genetics (formerly Invitae), Labcorp); PubMed 35886051 (cited by Labcorp Genetics (formerly Invitae), Labcorp).

NM_000390.4(CHM):c.1349+1G>T

Gene: CHM (CHM Rab escort protein; minus strand). Cytogenetic location: Xq21.2.
Variant type: single nucleotide variant.
Coding change: c.1349+1G>T on transcript NM_000390.4 (MANE Select); the canonical splice donor site of the intron after coding-DNA position 1349, G replaced by T.
Molecular consequence: splice donor variant.
Genome position (GRCh38, 1-based): chrX:85,901,083, C>A on the plus strand (G>T on the coding strand, the complement: CHM is on the minus strand). VCF-style: chrX-85901083-C-A. GRCh37 (hg19) VCF-style: chrX-85156088-C-A.
Other names: c.905+1G>T (NM_001362519.1, NM_001362517.1, NM_001320959.1 and 1 more transcripts).
Identifiers: ClinVar variation 2003250 (VCV002003250.5), dbSNP rs971538918, ClinGen allele CA413789516.